The following is an entry in ClinVar:

NM_007294.4(BRCA1):c.66A>C (p.Leu22Phe)

Gene: BRCA1 (BRCA1 DNA repair associated; minus strand). Cytogenetic location: 17q21.31.
Variant type: single nucleotide variant.
Coding change: c.66A>C on transcript NM_007294.4 (MANE Select); coding-DNA position 66, A replaced by C.
Protein change: p.Leu22Phe; replaces leucine 22 with phenylalanine.
Molecular consequence: missense variant. On other transcripts: 5 prime UTR variant (1), non-coding transcript variant (1).
Genome position (GRCh38, 1-based): chr17:43,124,031, T>G on the plus strand (A>C on the coding strand, the complement: BRCA1 is on the minus strand). VCF-style: chr17-43124031-T-G. GRCh37 (hg19) VCF-style: chr17-41276048-T-G.
Other names: c.-123A>C (NM_001407571.1, NM_001407853.1, NM_001407879.1 and 46 more transcripts); c.66A>C, p.Leu22Phe (NM_001407581.1, NM_001407582.1, NM_001407583.1 and 193 more transcripts); c.-192A>C (NM_001407694.1, NM_001407724.1, NM_001407727.1 and 11 more transcripts); c.-196A>C (NM_001407695.1, NM_001408465.1); c.-337A>C (NM_001407696.1); c.-221A>C (NM_001407697.1, NM_001407846.1, NM_001407920.1); c.-22A>C (NM_001407698.1, NM_001407732.1, NM_001407736.1 and 23 more transcripts); c.-195A>C (NM_001407725.1, NM_001407730.1, NM_001407734.1 and 22 more transcripts); and 8 more; short protein forms L22F.
Identifiers: ClinVar variation 185882 (VCV000185882.18), dbSNP rs786202533, ClinGen allele CA003790.

ClinVar aggregate classification (germline): Uncertain significance. Review status: criteria provided, multiple submitters, no conflicts (2 of 4 stars). 4 submissions from 4 submitters: Uncertain significance (4). Last evaluated 2024-03-12.

Conditions:
BRCA1-related disorder. Also called: BRCA1-related condition.
Hereditary cancer-predisposing syndrome. Also called: Hereditary Cancer Syndrome; Hereditary neoplastic syndrome; Tumor predisposition; Neoplastic Syndromes, Hereditary. Identifiers: Orphanet 140162, MedGen C0027672, MeSH D009386, MONDO:0015356.
Hereditary breast ovarian cancer syndrome. Also called: Hereditary breast and ovarian cancer syndrome; Hereditary breast and ovarian cancer syndrome (HBOC); BRCA1- and BRCA2-Associated Hereditary Breast and Ovarian Cancer; Breast and ovarian cancer; Hereditary breast and ovarian cancer; Hereditary breast and/or ovarian cancer syndrome. Identifiers: Orphanet 145, MedGen C0677776, MeSH D061325, MONDO:0003582. Disease mechanism: loss of function.

Submissions (5):

Labcorp Genetics (formerly Invitae), Labcorp
Classification: Uncertain significance for Hereditary breast ovarian cancer syndrome. Last evaluated: 2024-03-12. Review status: criteria provided, single submitter. Criteria: Invitae Variant Classification Sherloc (09022015). Collection method: clinical testing. Allele origin: germline.
Comment: This sequence change replaces leucine, which is neutral and non-polar, with phenylalanine, which is neutral and non-polar, at codon 22 of the BRCA1 protein (p.Leu22Phe). This variant is not present in population databases (gnomAD no frequency). This variant has not been reported in the literature in individuals affected with BRCA1-related conditions. ClinVar contains an entry for this variant (Variation ID: 185882). Advanced modeling performed at Invitae incorporating data from internal and/or published experimental studies (PMID: 30209399) indicates that this missense variant is not expected to disrupt BRCA1 function with a negative predictive value of 95%. Experimental studies have shown that this missense change does not substantially affect BRCA1 function (PMID: 30209399). This variant disrupts the p.Leu22 amino acid residue in BRCA1. Other variant(s) that disrupt this residue have been determined to be pathogenic (PMID: 9609997, 19543972, 21990134, 25823446, 30209399). This suggests that this residue is clinically significant, and that variants that disrupt this residue are likely to be disease-causing. In summary, the available evidence is currently insufficient to determine the role of this variant in disease. Therefore, it has been classified as a Variant of Uncertain Significance.

PreventionGenetics, part of Exact Sciences
Classification: Uncertain significance for BRCA1-related condition. Last evaluated: 2023-06-09. Review status: criteria provided, single submitter. Criteria: ACMG Guidelines, 2015. Collection method: clinical testing. Allele origin: germline.
Comment: The BRCA1 c.66A>C variant is predicted to result in the amino acid substitution p.Leu22Phe. To our knowledge, this variant has not been reported in the literature or in a large population database, indicating this variant is rare. In vitro studies suggested that this variant does not alter protein function (Clark et al. 2022. PubMed: 35659930). This variant is interpreted as a variant of unknown clinical significance in Clinvar. A different missense variant affecting this amino acid has been classified as pathogenic by the ENIGMA expert panel (p.Leu22Ser). At this time, the clinical significance of the p.Leu22Phe variant is uncertain due to the absence of conclusive functional and genetic evidence.

Blueprint Genetics
Classification: Uncertain significance. Last evaluated: 2022-07-17. Review status: criteria provided, single submitter. Criteria: ACMG Guidelines, 2015. Collection method: clinical testing. Allele origin: germline.

Ambry Genetics
Classification: Uncertain significance for Hereditary cancer-predisposing syndrome. Last evaluated: 2014-07-31. Review status: criteria provided, single submitter. Criteria: Ambry Variant Classification Scheme 2023. Collection method: clinical testing. Allele origin: germline.
Comment: The p.L22F variant (also known as c.66A>C or 185A>C), located in coding exon 1 of the BRCA1 gene, results from an A to C substitution at nucleotide position 66. The leucine at codon 22 is replaced by phenylalanine, an amino acid with highly similar properties. This variant was not reported in population based cohorts in the following databases: Database of Single Nucleotide Polymorphisms (dbSNP), NHLBI Exome Sequencing Project (ESP), and 1000 Genomes Project. In the ESP, this variant was not observed in 6502 samples (13004 alleles) with coverage at this position. To date, this alteration has been detected with an allele frequency of approximately 0.002% (greater than 64000 alleles tested) in our clinical cohort. Based on protein sequence alignment, this amino acid position is highly conserved in available vertebrate species. In addition, this alteration is predicted to be possibly damaging and deleterious by PolyPhen and SIFT in silico analyses, respectively. Since supporting evidence is limited at this time, the clinical significance of p.L22F remains unclear.

Brotman Baty Institute, University of Washington
No classification provided (evidence only). Condition: Breast-ovarian cancer, familial 1. Review status: no classification provided. Collection method: in vitro. Allele origin: not applicable. Functional consequence: functionally_normal. Not counted in ClinVar's aggregate classification.
ClinVar note: "not provided" was previously submitted as the classification for the variant. However, the classification appeared to be based only on an observation of functional data so it was converted to no classification on 2025-07-30.

Literature cited by the submitters: PubMed 30209399 (cited by Labcorp Genetics (formerly Invitae), Labcorp); PubMed 9609997 (cited by Labcorp Genetics (formerly Invitae), Labcorp); PubMed 19543972 (cited by Labcorp Genetics (formerly Invitae), Labcorp); PubMed 21990134 (cited by Labcorp Genetics (formerly Invitae), Labcorp); PubMed 25823446 (cited by Labcorp Genetics (formerly Invitae), Labcorp).